The following is an entry in ClinVar:

NM_181332.3(NLGN4X):c.574A>G (p.Ser192Gly)

Gene: NLGN4X (neuroligin 4 X-linked; minus strand). Cytogenetic location: Xp22.32.
Variant type: single nucleotide variant.
Coding change: c.574A>G on transcript NM_181332.3 (MANE Select); coding-DNA position 574, A replaced by G.
Protein change: p.Ser192Gly; replaces serine 192 with glycine.
Molecular consequence: missense variant.
Genome position (GRCh38, 1-based): chrX:6,029,331, T>C on the plus strand (A>G on the coding strand, the complement: NLGN4X is on the minus strand). VCF-style: chrX-6029331-T-C. GRCh37 (hg19) VCF-style: chrX-5947372-T-C.
Other names: c.574A>G, p.Ser192Gly (NM_001282145.2, NM_001282146.2, NM_001441322.1 and 4 more transcripts); short protein forms S192G.
Identifiers: ClinVar variation 4983005 (VCV004983005.1).

ClinVar aggregate classification (germline): Uncertain significance (1 of 4 stars; one submission).

Conditions:
NLGN4X-related disorder. Also called: NLGN4X-related condition.

Submission:

PreventionGenetics, part of Exact Sciences
Classification: Uncertain significance for NLGN4X-related condition. Last evaluated: 2026-02-28. Review status: criteria provided, single submitter. Criteria: ACMG Guidelines, 2015. Collection method: clinical testing. Allele origin: germline.
Comment: The NLGN4X c.574A>G variant is predicted to result in the amino acid substitution p.Ser192Gly. To our knowledge, this variant has not been reported in the literature or in a large population database (gnomAD), indicating this variant is rare. At this time, the clinical significance of this variant is uncertain due to the absence of conclusive functional and genetic evidence.